The following is an entry in ClinVar:

ClinVar aggregate classification (germline): Uncertain significance. Review status: criteria provided, multiple submitters, no conflicts (2 of 4 stars). 2 submissions from 2 submitters: Uncertain significance (2). Last evaluated 2025-05-14.

Conditions:
Kabuki syndrome 1 (KABUK1). Also called: KMT2D-Related Kabuki Syndrome. Identifiers: Orphanet 2322, MedGen CN030661, MONDO:0007843, OMIM 147920.
Choanal atresia-athelia-hypothyroidism-delayed puberty-short stature syndrome (BCAHH). Also called: BRANCHIAL ARCH ABNORMALITIES, CHOANAL ATRESIA, ATHELIA, HEARING LOSS, AND HYPOTHYROIDISM SYNDROME. Identifiers: Orphanet 589856, MedGen C5680310, MONDO:0035651, OMIM 620186.
KMT2D-related disorder. Also called: KMT2D-Related Disorders.

gnomAD v4.1: 2 of 1,611,284 alleles (0.00012%); highest among the groups gnomAD compares: African/African-American, 0.0027%; no homozygotes.

Submissions (2):

PreventionGenetics, part of Exact Sciences
Classification: Uncertain significance for KMT2D-related condition. Last evaluated: 2025-05-14. Review status: criteria provided, single submitter. Criteria: ACMG Guidelines, 2015. Collection method: clinical testing. Allele origin: germline.
Comment: The KMT2D c.2138A>G variant is predicted to result in the amino acid substitution p.Asp713Gly. To our knowledge, this variant has not been reported in the literature. This variant is reported in 0.0084% of alleles in individuals of African descent in gnomAD. At this time, the clinical significance of this variant is uncertain due to the absence of conclusive functional and genetic evidence.

Fulgent Genetics
Classification: Uncertain significance for Kabuki syndrome 1; Choanal atresia-athelia-hypothyroidism-delayed puberty-short stature syndrome. Last evaluated: 2023-12-24. Review status: criteria provided, single submitter. Criteria: ACMG Guidelines, 2015. Collection method: clinical testing. Allele origin: germline.

NM_003482.4(KMT2D):c.2138A>G (p.Asp713Gly)

Gene: KMT2D (lysine methyltransferase 2D; minus strand). Cytogenetic location: 12q13.12.
Variant type: single nucleotide variant.
Coding change: c.2138A>G on transcript NM_003482.4 (MANE Select); coding-DNA position 2138, A replaced by G.
Protein change: p.Asp713Gly; replaces aspartic acid 713 with glycine.
Molecular consequence: missense variant.
Genome position (GRCh38, 1-based): chr12:49,051,545, T>C on the plus strand (A>G on the coding strand, the complement: KMT2D is on the minus strand). VCF-style: chr12-49051545-T-C. GRCh37 (hg19) VCF-style: chr12-49445328-T-C.
Other names: short protein forms D713G.
Identifiers: ClinVar variation 3574856 (VCV003574856.2).